The following is an entry in ClinVar:

ClinVar aggregate classification (germline): Uncertain significance (1 of 4 stars; one submission).

Conditions:
Gastrointestinal stromal tumor. Also called: Gastrointestinal stromal tumor, somatic; Gastrointestinal stroma tumor. Identifiers: Orphanet 44890, MedGen C0238198, MeSH D046152, MONDO:0011719, OMIM 606764, HP:0100723.

Submission:

Labcorp Genetics (formerly Invitae), Labcorp
Classification: Uncertain significance for Gastrointestinal stromal tumor. Last evaluated: 2019-11-15. Review status: criteria provided, single submitter. Criteria: Invitae Variant Classification Sherloc (09022015). Collection method: clinical testing. Allele origin: germline.
Comment: This sequence change replaces methionine with valine at codon 836 of the KIT protein (p.Met836Val). The methionine residue is highly conserved and there is a small physicochemical difference between methionine and valine. In summary, the available evidence is currently insufficient to determine the role of this variant in disease. Therefore, it has been classified as a Variant of Uncertain Significance. Algorithms developed to predict the effect of missense changes on protein structure and function are either unavailable or do not agree on the potential impact of this missense change (SIFT: "Deleterious"; PolyPhen-2: "Benign"; Align-GVGD: "Class C15"). This variant has not been reported in the literature in individuals with KIT-related conditions. This variant is not present in population databases (ExAC no frequency).

NM_000222.3(KIT):c.2506A>G (p.Met836Val)

Gene: KIT (KIT proto-oncogene, receptor tyrosine kinase; plus strand). Cytogenetic location: 4q12.
Variant type: single nucleotide variant.
Coding change: c.2506A>G on transcript NM_000222.3 (MANE Select); coding-DNA position 2506, A replaced by G.
Protein change: p.Met836Val; replaces methionine 836 with valine.
Molecular consequence: missense variant.
Genome position (GRCh38, 1-based): chr4:54,736,519, A>G. VCF-style: chr4-54736519-A-G. GRCh37 (hg19) VCF-style: chr4-55602685-A-G.
Other names: c.2494A>G, p.Met832Val (NM_001093772.2, NM_001385292.1); c.2509A>G, p.Met837Val (NM_001385284.1); c.2503A>G, p.Met835Val (NM_001385285.1); c.2491A>G, p.Met831Val (NM_001385286.1); c.2497A>G, p.Met833Val (NM_001385288.1); c.2506A>G, p.Met836Val (NM_001385290.1); short protein forms M832V, M836V, M831V, M833V, M835V, M837V.
Identifiers: ClinVar variation 967312 (VCV000967312.10), dbSNP rs1722930635, ClinGen allele CA356912974.